The following is an entry in ClinVar:

NM_001130438.3(SPTAN1):c.2024G>A (p.Arg675His)

Gene: SPTAN1 (spectrin alpha, non-erythrocytic 1; plus strand). Cytogenetic location: 9q34.11.
Variant type: single nucleotide variant.
Coding change: c.2024G>A on transcript NM_001130438.3 (MANE Select); coding-DNA position 2024, G replaced by A.
Protein change: p.Arg675His; replaces arginine 675 with histidine.
Molecular consequence: missense variant.
Genome position (GRCh38, 1-based): chr9:128,583,800, G>A. VCF-style: chr9-128583800-G-A. GRCh37 (hg19) VCF-style: chr9-131346079-G-A.
Other names: c.2024G>A, p.Arg675His (NM_001195532.2, NM_001363759.2, NM_001363765.2 and 5 more transcripts); c.2060G>A, p.Arg687His (NM_001375312.2, NM_001375318.1); short protein forms R687H, R675H.
Identifiers: ClinVar variation 1448733 (VCV001448733.9), dbSNP rs748338558, ClinGen allele CA5264561.
Genomic context (GRCh38, chr9:128,583,800, plus strand): 5'-GAAGGGTAATGCTAAGCAGTACAAAATTAAACTTGTTTTCTTCCATAGGAATAAAGCTTC[G>A]TGAAGCCAACCAGCAACAGCAATTTAATCGCAATGTTGAGGATATTGAATTGTGGCTATA-3'
Protein context (NP_001123910.1, residues 665-685): EATELKGIKL[Arg675His]EANQQQQFNR

ClinVar aggregate classification (germline): Uncertain significance (1 of 4 stars; one submission).

Conditions:
Early-infantile DEE. Also called: Early infantile epileptic encephalopathy; Ohtahara syndrome; Early infantile epileptic encephalopathy with suppression bursts. Identifiers: Orphanet 1934, MedGen C0393706, MONDO:0800491.

Allele frequency attached by ClinVar (database versions not stated): ExAC 0.00001; gnomAD exomes 0.00001.
gnomAD v4.1: 11 of 1,614,126 alleles (0.00068%); highest among the groups gnomAD compares: Admixed American, 0.0017%; no homozygotes.

Submission:

Labcorp Genetics (formerly Invitae), Labcorp
Classification: Uncertain significance for Early-infantile DEE. Last evaluated: 2025-11-19. Review status: criteria provided, single submitter. Criteria: Invitae Variant Classification Sherloc (09022015). Collection method: clinical testing. Allele origin: germline.
Comment: This sequence change replaces arginine, which is basic and polar, with histidine, which is basic and polar, at codon 675 of the SPTAN1 protein (p.Arg675His). This variant is present in population databases (rs748338558, gnomAD 0.003%). This variant has not been reported in the literature in individuals affected with SPTAN1-related conditions. ClinVar contains an entry for this variant (Variation ID: 1448733). Invitae Evidence Modeling of protein sequence and biophysical properties (such as structural, functional, and spatial information, amino acid conservation, physicochemical variation, residue mobility, and thermodynamic stability) has been performed for this missense variant. However, the output from this modeling did not meet the statistical confidence thresholds required to predict the impact of this variant on SPTAN1 protein function. In summary, the available evidence is currently insufficient to determine the role of this variant in disease. Therefore, it has been classified as a Variant of Uncertain Significance.